The following is an entry in ClinVar:

ClinVar aggregate classification (germline): Conflicting classifications of pathogenicity. Review status: criteria provided, conflicting classifications (1 of 4 stars). 4 submissions from 4 submitters: Likely pathogenic (2); Uncertain significance (2). Last evaluated 2025-08-10.

Conditions:
Cardiomyopathy (CMYO). Also called: Cardiomyopathies. Identifiers: Orphanet 167848, MedGen C0878544, MONDO:0004994, HP:0001638. Inheritance: Various modes of inheritance.
Hypertrophic cardiomyopathy. Also called: HYPERTROPHIC MYOCARDIOPATHY. Identifiers: Orphanet 217569, MedGen C0007194, MeSH D002312, MONDO:0005045, HP:0001639.

Submissions (4):

Labcorp Genetics (formerly Invitae), Labcorp
Classification: Likely pathogenic for Hypertrophic cardiomyopathy. Last evaluated: 2025-08-10. Review status: criteria provided, single submitter. Criteria: Invitae Variant Classification Sherloc (09022015). Collection method: clinical testing. Allele origin: germline.
Comment: This sequence change replaces leucine, which is neutral and non-polar, with valine, which is neutral and non-polar, at codon 898 of the MYH7 protein (p.Leu898Val). This variant is not present in population databases (gnomAD no frequency). This missense change has been observed in individuals with hypertrophic cardiomyopathy (PMID: 25611685, 32746448, 37652022; internal data). ClinVar contains an entry for this variant (Variation ID: 177930). Invitae Evidence Modeling of protein sequence and biophysical properties (such as structural, functional, and spatial information, amino acid conservation, physicochemical variation, residue mobility, and thermodynamic stability) indicates that this missense variant is expected to disrupt MYH7 protein function with a positive predictive value of 95%. In summary, the currently available evidence indicates that the variant is pathogenic, but additional data are needed to prove that conclusively. Therefore, this variant has been classified as Likely Pathogenic.

GeneDx
Classification: Likely pathogenic. Last evaluated: 2024-03-25. Review status: criteria provided, single submitter. Criteria: GeneDx Variant Classification Process June 2021. Collection method: clinical testing. Allele origin: germline. Affected: yes.
Comment: Reported in association with HCM, although no clinical details were provided (PMID: 27532257, 25611685, 32746448); Not observed at significant frequency in large population cohorts (gnomAD); In silico analysis supports that this missense variant does not alter protein structure/function; This variant is associated with the following publications: (PMID: 25611685, 28606303, 32746448, 27532257, 29300372)

All of Us Research Program, National Institutes of Health
Classification: Uncertain significance for Cardiomyopathy. Last evaluated: 2023-12-13. Review status: criteria provided, single submitter. Criteria: ACMG Guidelines, 2015. Collection method: clinical testing. Allele origin: germline. Inheritance: Autosomal dominant inheritance. Observed: 1 variant allele, 1 heterozygote.
Comment: This missense variant replaces leucine with valine at codon 898 of the MYH7 protein. Computational prediction suggests that this variant may have a deleterious impact on protein structure and function. This variant is found within a highly conserved region of the myosin head domain. Missense variants in this region have been shown to be significantly overrepresented in individuals with hypertrophic cardiomyopathy (PMID: 27532257). To our knowledge, functional studies have not been reported for this variant. This variant has been reported in three individuals affected with hypertrophic cardiomyopathy; one of these individuals also carried a second pathogenic MYH7 variant (PMID: 25611685, 27532257, 32746448, 33495597). This variant has not been identified in the general population by the Genome Aggregation Database (gnomAD). The available evidence is insufficient to determine the role of this variant in disease conclusively. Therefore, this variant is classified as a Variant of Uncertain Significance.

This study involves interpretation of variants in research participants for the purpose of population health screening. Participant phenotype was not available at the time of variant classification. Additional details can be found in publication PMID: 35346344, PMCID: PMC8962531

Laboratory for Molecular Medicine, Mass General Brigham Personalized Medicine
Classification: Uncertain significance. Last evaluated: 2016-02-29. Review status: criteria provided, single submitter. Criteria: LMM Criteria. Collection method: clinical testing. Allele origin: germline. Observed: 1 variant allele.
Comment: Variant classified as Uncertain Significance - Favor Pathogenic. This variant was predicted t o be pathogenic using a computational tool clinically validated by our laborator y. This tool's pathogenic prediction is estimated to be correct 94% of the time (Jordan 2011). In summary, while there is some suspicion for a pathogenic role, the clinical significance of the p.Leu898Val variant is uncertain.

Literature cited by the submitters: PubMed 25611685 (cited by Labcorp Genetics (formerly Invitae), Labcorp and All of Us Research Program, National Institutes of Health); PubMed 32746448 (cited by Labcorp Genetics (formerly Invitae), Labcorp and All of Us Research Program, National Institutes of Health); PubMed 37652022 (cited by Labcorp Genetics (formerly Invitae), Labcorp); PubMed 27532257 (cited by All of Us Research Program, National Institutes of Health); PubMed 33495597 (cited by All of Us Research Program, National Institutes of Health).

NM_000257.4(MYH7):c.2692C>G (p.Leu898Val)

Gene: MYH7 (myosin heavy chain 7; minus strand). Cytogenetic location: 14q11.2.
Variant type: single nucleotide variant.
Coding change: c.2692C>G on transcript NM_000257.4 (MANE Select); coding-DNA position 2692, C replaced by G.
Protein change: p.Leu898Val; replaces leucine 898 with valine.
Molecular consequence: missense variant.
Genome position (GRCh38, 1-based): chr14:23,424,137, G>C on the plus strand (C>G on the coding strand, the complement: MYH7 is on the minus strand). VCF-style: chr14-23424137-G-C. GRCh37 (hg19) VCF-style: chr14-23893346-G-C.
Other names: p.L898V:CTG>GTG; short protein forms L898V.
Identifiers: ClinVar variation 177930 (VCV000177930.13), dbSNP rs727504407, ClinGen allele CA012863.